The following is an entry in ClinVar:

ClinVar aggregate classification (germline): Conflicting classifications of pathogenicity. Review status: criteria provided, conflicting classifications (1 of 4 stars). 3 submissions from 3 submitters: Uncertain significance (1); Likely benign (1). 1 of the submissions does not count toward it. Last evaluated 2026-01-30.

Conditions:
CEP290-related disorder. Also called: CEP290-related condition; CEP290-related disorders. Identifiers: MedGen CN239314.
Meckel-Gruber syndrome. Also called: Dysencephalia splachnocystica; DYSENCEPHALIA SPLANCHNOCYSTICA; GRUBER SYNDROME. Identifiers: Orphanet 564, MedGen C0265215, MONDO:0018921.
Nephronophthisis. Also called: Juvenile Nephronophthisis. Identifiers: Orphanet 655, MedGen C0687120, MONDO:0019005, HP:0000090.
Joubert syndrome. Also called: Familial aplasia of the vermis; JOUBERT-BOLTSHAUSER SYNDROME. Identifiers: Orphanet 475, MedGen C5979921, MONDO:0018772.

Allele frequency attached by ClinVar (database versions not stated): gnomAD exomes below 0.00001; gnomAD 0.00001; TOPMed 0.00002.
gnomAD v4.1: 4 of 1,607,980 alleles (0.00025%); highest among the groups gnomAD compares: Non-Finnish European, 0.00034%; no homozygotes.

Submissions (3):

Labcorp Genetics (formerly Invitae), Labcorp
Classification: Likely benign for Joubert syndrome; Meckel-Gruber syndrome; Nephronophthisis. Last evaluated: 2026-01-30. Review status: criteria provided, single submitter. Criteria: Invitae Variant Classification Sherloc (09022015). Collection method: clinical testing. Allele origin: germline.

Blueprint Genetics
Classification: Uncertain significance. Last evaluated: 2017-08-07. Review status: criteria provided, single submitter. Criteria: ACMG Guidelines, 2015. Collection method: clinical testing. Allele origin: germline.

PreventionGenetics, part of Exact Sciences
Classification: Likely benign for CEP290-related condition. Last evaluated: 2021-03-15. Review status: no assertion criteria provided. Collection method: clinical testing. Allele origin: germline. Not counted in ClinVar's aggregate classification.
Comment: This variant is classified as likely benign based on ACMG/AMP sequence variant interpretation guidelines (Richards et al. 2015 PMID: 25741868, with internal and published modifications).

NM_025114.4(CEP290):c.7341A>G (p.Lys2447=)

Genes: CEP290 (centrosomal protein 290; minus strand), RLIG1 (RNA 5'-phosphate and 3'-OH ligase 1; plus strand). Cytogenetic location: 12q21.32.
Variant type: single nucleotide variant.
Coding change: c.7341A>G on transcript NM_025114.4 (MANE Select); coding-DNA position 7341, A replaced by G.
Protein change: p.Lys2447=; no amino-acid change (lysine 2447 retained).
Molecular consequence: synonymous variant. On other transcripts: 3 prime UTR variant (1).
Genome position (GRCh38, 1-based): chr12:88,049,283, T>C on the plus strand (A>G on the coding strand, the complement: CEP290 is on the minus strand). VCF-style: chr12-88049283-T-C. GRCh37 (hg19) VCF-style: chr12-88443060-T-C.
Other names: c.*861T>C (NM_001009894.3); c.7341A>G (NM_025114.3).
Identifiers: ClinVar variation 1453970 (VCV001453970.10), dbSNP rs1415533078, ClinGen allele CA481052501.